The following is an entry in ClinVar:

ClinVar aggregate classification (germline): Likely benign. Review status: criteria provided, multiple submitters, no conflicts (2 of 4 stars). 4 submissions from 4 submitters: Likely benign (3). 1 of the submissions does not count toward it. Last evaluated 2025-07-17.

Conditions:
RAD50-related disorder. Also called: RAD50-related condition.
Hereditary cancer-predisposing syndrome. Also called: Tumor predisposition; Hereditary Cancer Syndrome; Hereditary neoplastic syndrome; Neoplastic Syndromes, Hereditary. Identifiers: Orphanet 140162, MedGen C0027672, MeSH D009386, MONDO:0015356.
Nijmegen breakage syndrome-like disorder (NBSLD). Also called: MICROCEPHALY AND SPONTANEOUS CHROMOSOME INSTABILITY WITHOUT IMMUNODEFICIENCY; NBS-LIKE DISORDER; RAD50 DEFICIENCY. Identifiers: Orphanet 240760, MedGen C2751318, MONDO:0013118, OMIM 613078.

Allele frequency attached by ClinVar (database versions not stated): gnomAD exomes 0.00001 and 0.00003; gnomAD 0.00002; ExAC 0.00003; TOPMed 0.00003; ESP Exome Variant Server 0.00008.
gnomAD v4.1: 19 of 1,613,548 alleles (0.0012%); highest among the groups gnomAD compares: African/African-American, 0.011%; no homozygotes.

Submissions (4):

Labcorp Genetics (formerly Invitae), Labcorp
Classification: Likely benign for Hereditary cancer-predisposing syndrome. Last evaluated: 2025-07-17. Review status: criteria provided, single submitter. Criteria: Invitae Variant Classification Sherloc (09022015). Collection method: clinical testing. Allele origin: germline.

Sema4
Classification: Likely benign for Nijmegen breakage syndrome-like disorder. Last evaluated: 2021-08-09. Review status: criteria provided, single submitter. Criteria: Sema4 Curation Guidelines. Collection method: curation. Allele origin: germline.

Ambry Genetics
Classification: Likely benign for Hereditary cancer-predisposing syndrome. Last evaluated: 2014-08-14. Review status: criteria provided, single submitter. Criteria: Ambry Variant Classification Scheme 2023. Collection method: clinical testing. Allele origin: germline.

PreventionGenetics, part of Exact Sciences
Classification: Likely benign for RAD50-related condition. Last evaluated: 2021-11-10. Review status: no assertion criteria provided. Collection method: clinical testing. Allele origin: germline. Not counted in ClinVar's aggregate classification.
Comment: This variant is classified as likely benign based on ACMG/AMP sequence variant interpretation guidelines (Richards et al. 2015 PMID: 25741868, with internal and published modifications).

NM_005732.4(RAD50):c.2298C>T (p.Asn766=)

Gene: RAD50 (RAD50 double strand break repair protein; plus strand). Cytogenetic location: 5q31.1.
Variant type: single nucleotide variant.
Coding change: c.2298C>T on transcript NM_005732.4 (MANE Select); coding-DNA position 2298, C replaced by T.
Protein change: p.Asn766=; no amino-acid change (asparagine 766 retained).
Molecular consequence: synonymous variant.
Genome position (GRCh38, 1-based): chr5:132,603,390, C>T. VCF-style: chr5-132603390-C-T. GRCh37 (hg19) VCF-style: chr5-131939082-C-T.
Identifiers: ClinVar variation 183881 (VCV000183881.19), dbSNP rs144186349, ClinGen allele CA333823.